The following is an entry in ClinVar:

ClinVar aggregate classification (germline): Likely benign. Review status: reviewed by expert panel (3 of 4 stars). 5 submissions from 5 submitters: Likely benign (1). 4 of the submissions do not count toward it. Last evaluated 2017-06-29.

Conditions:
Hereditary cancer-predisposing syndrome. Also called: Tumor predisposition; Neoplastic Syndromes, Hereditary; Hereditary Cancer Syndrome; Hereditary neoplastic syndrome. Identifiers: Orphanet 140162, MedGen C0027672, MeSH D009386, MONDO:0015356.
Hereditary breast ovarian cancer syndrome. Also called: Hereditary breast and ovarian cancer syndrome (HBOC); Hereditary breast and ovarian cancer syndrome; Hereditary breast and ovarian cancer; Hereditary breast and/or ovarian cancer syndrome; Breast and ovarian cancer; BRCA1- and BRCA2-Associated Hereditary Breast and Ovarian Cancer. Identifiers: Orphanet 145, MedGen C0677776, MeSH D061325, MONDO:0003582. Disease mechanism: loss of function.
Breast-ovarian cancer, familial, susceptibility to, 1 (BROVCA1). Also called: OVARIAN CANCER, SUSCEPTIBILITY TO; BRCA1 Hereditary Breast and Ovarian Cancer. Identifiers: Orphanet 145, MedGen C2676676, MONDO:0011450, OMIM 604370. Disease mechanism: loss of function.

Submissions (5):

Evidence-based Network for the Interpretation of Germline Mutant Alleles (ENIGMA)
Classification: Likely benign for Breast-ovarian cancer, familial, susceptibility to, 1. Last evaluated: 2017-06-29. Review status: reviewed by expert panel. Criteria: ENIGMA BRCA1/2 Classification Criteria (2017-06-29). Collection method: curation. Allele origin: germline.
Comment: Synonymous substitution variant, with low bioinformatic likelihood to result in a splicing aberration (Splicing prior probability 0.02).

Ambry Genetics
Classification: Likely benign for Hereditary cancer-predisposing syndrome. Last evaluated: 2026-02-23. Review status: criteria provided, single submitter. Criteria: Ambry Variant Classification Scheme 2023. Collection method: clinical testing. Allele origin: germline. Not counted in ClinVar's aggregate classification.

All of Us Research Program, National Institutes of Health
Classification: Likely benign for Breast-ovarian cancer, familial, susceptibility to, 1. Last evaluated: 2023-10-02. Review status: criteria provided, single submitter. Criteria: ACMG Guidelines, 2015. Collection method: clinical testing. Allele origin: germline. Inheritance: Autosomal dominant inheritance. Observed: 1 variant allele, 1 heterozygote. Not counted in ClinVar's aggregate classification.
Comment: This study involves interpretation of variants in research participants for the purpose of population health screening. Participant phenotype was not available at the time of variant classification. Additional details can be found in publication PMID: 35346344, PMCID: PMC8962531

Labcorp Genetics (formerly Invitae), Labcorp
Classification: Likely benign for Hereditary breast ovarian cancer syndrome. Last evaluated: 2021-02-12. Review status: criteria provided, single submitter. Criteria: Invitae Variant Classification Sherloc (09022015). Collection method: clinical testing. Allele origin: germline. Not counted in ClinVar's aggregate classification.

Breast Cancer Information Core (BIC) (BRCA1)
Classification: Uncertain significance for Breast-ovarian cancer, familial 1. Last evaluated: 2000-01-01. Review status: no assertion criteria provided. Collection method: clinical testing. Allele origin: germline. Affected: yes. Observed: 1 variant allele. Not counted in ClinVar's aggregate classification.

NM_007294.4(BRCA1):c.1866G>T (p.Ala622=)

Gene: BRCA1 (BRCA1 DNA repair associated; minus strand). Cytogenetic location: 17q21.31.
Variant type: single nucleotide variant.
Coding change: c.1866G>T on transcript NM_007294.4 (MANE Select); coding-DNA position 1866, G replaced by T.
Protein change: p.Ala622=; no amino-acid change (alanine 622 retained).
Molecular consequence: synonymous variant. On other transcripts: intron variant (137).
Genome position (GRCh38, 1-based): chr17:43,093,665, C>A on the plus strand (G>T on the coding strand, the complement: BRCA1 is on the minus strand). VCF-style: chr17-43093665-C-A. GRCh37 (hg19) VCF-style: chr17-41245682-C-A.
Other names: 1985G/T; c.1653G>T, p.Ala551= (NM_001407571.1, NM_001407853.1, NM_001407894.1 and 9 more transcripts); c.1866G>T, p.Ala622= (NM_001407581.1, NM_001407582.1, NM_001407583.1 and 30 more transcripts); c.1863G>T, p.Ala621= (NM_001407587.1, NM_001407590.1, NM_001407591.1 and 22 more transcripts); c.1857G>T, p.Ala619= (NM_001407646.1, NM_001407647.1); c.1743G>T, p.Ala581= (NM_001407648.1, NM_001407664.1, NM_001407665.1 and 19 more transcripts); c.1740G>T, p.Ala580= (NM_001407649.1, NM_001407670.1, NM_001407671.1 and 11 more transcripts); c.1788G>T, p.Ala596= (NM_001407653.1, NM_001407654.1, NM_001407655.1 and 4 more transcripts); and 41 more.
Identifiers: ClinVar variation 54372 (VCV000054372.14), dbSNP rs1800064, ClinGen allele CA001213.